The following is an entry in ClinVar:

ClinVar aggregate classification (germline): Uncertain significance (1 of 4 stars; one submission).

Submission:

Labcorp Genetics (formerly Invitae), Labcorp
Classification: Uncertain significance. Last evaluated: 2024-04-18. Review status: criteria provided, single submitter. Criteria: Invitae Variant Classification Sherloc (09022015). Collection method: clinical testing. Allele origin: germline.
Comment: This sequence change replaces isoleucine, which is neutral and non-polar, with threonine, which is neutral and polar, at codon 620 of the CAMK2B protein (p.Ile620Thr). This variant is not present in population databases (gnomAD no frequency). This variant has not been reported in the literature in individuals affected with CAMK2B-related conditions. An algorithm developed to predict the effect of missense changes on protein structure and function (PolyPhen-2) suggests that this variant is likely to be disruptive. In summary, the available evidence is currently insufficient to determine the role of this variant in disease. Therefore, it has been classified as a Variant of Uncertain Significance.

NM_001220.5(CAMK2B):c.1859T>C (p.Ile620Thr)

Gene: CAMK2B (calcium/calmodulin dependent protein kinase II beta; minus strand). Cytogenetic location: 7p13.
Variant type: single nucleotide variant.
Coding change: c.1859T>C on transcript NM_001220.5 (MANE Select); coding-DNA position 1859, T replaced by C.
Protein change: p.Ile620Thr; replaces isoleucine 620 with threonine.
Molecular consequence: missense variant.
Genome position (GRCh38, 1-based): chr7:44,220,204, A>G on the plus strand (T>C on the coding strand, the complement: CAMK2B is on the minus strand). VCF-style: chr7-44220204-A-G. GRCh37 (hg19) VCF-style: chr7-44259803-A-G.
Other names: c.1415T>C, p.Ile472Thr (NM_172079.3); c.1412T>C, p.Ile471Thr (NM_172080.3); c.1370T>C, p.Ile457Thr (NM_172081.3); c.1337T>C, p.Ile446Thr (NM_172082.3); c.1298T>C, p.Ile433Thr (NM_172083.3); c.1208T>C, p.Ile403Thr (NM_172084.3); c.1487T>C, p.Ile496Thr (NM_001293170.2, NM_172078.3); short protein forms I433T, I472T, I403T, I457T, I446T, I471T, I496T, I620T.
Identifiers: ClinVar variation 3650339 (VCV003650339.2).